The following is an entry in ClinVar:

ClinVar aggregate classification (germline): Uncertain significance (1 of 4 stars; one submission).

Submission:

Ambry Genetics
Classification: Uncertain significance. Last evaluated: 2023-03-06. Review status: criteria provided, single submitter. Criteria: Ambry Variant Classification Scheme 2023. Collection method: clinical testing. Allele origin: germline.
Comment: The p.P2451R variant (also known as c.7352C>G), located in coding exon 27 of the POLQ gene, results from a C to G substitution at nucleotide position 7352. The proline at codon 2451 is replaced by arginine, an amino acid with dissimilar properties. This amino acid position is conserved. In addition, this alteration is predicted to be deleterious by in silico analysis. Since supporting evidence is limited at this time, the clinical significance of this alteration remains unclear.

NM_199420.4(POLQ):c.7352C>G (p.Pro2451Arg)

Gene: POLQ (DNA polymerase theta; minus strand). Cytogenetic location: 3q13.33.
Variant type: single nucleotide variant.
Coding change: c.7352C>G on transcript NM_199420.4 (MANE Select); coding-DNA position 7352, C replaced by G.
Protein change: p.Pro2451Arg; replaces proline 2451 with arginine.
Molecular consequence: missense variant.
Genome position (GRCh38, 1-based): chr3:121,440,029, G>C on the plus strand (C>G on the coding strand, the complement: POLQ is on the minus strand). VCF-style: chr3-121440029-G-C. GRCh37 (hg19) VCF-style: chr3-121158876-G-C.
Other names: short protein forms P2451R.
Identifiers: ClinVar variation 2449052 (VCV002449052.2), dbSNP rs2546749862, ClinGen allele CA354098052.
Genomic context (GRCh38, chr3:121,440,029, plus strand): 5'-ATTCCTAAAAAATTTCAACATACGTGAGCTTTACGATAAGGGTTGTTGTCTTTGATTCCT[G>C]GCAAATATCTACGCCTTCCCAAAATGGTCTGAACAAATCCGTCTCTTTTACAATTCTTCA-3'
Protein context (NP_955452.3, residues 2441-2461): QTILGRRRYL[Pro2451Arg]GIKDNNPYRK